The following is an entry in ClinVar:

NM_018389.5(SLC35C1):c.313C>G (p.Pro105Ala)

Gene: SLC35C1 (solute carrier family 35 member C1; plus strand). Cytogenetic location: 11p11.2.
Variant type: single nucleotide variant.
Coding change: c.313C>G on transcript NM_018389.5 (MANE Select); coding-DNA position 313, C replaced by G.
Protein change: p.Pro105Ala; replaces proline 105 with alanine.
Molecular consequence: missense variant.
Genome position (GRCh38, 1-based): chr11:45,806,114, C>G. VCF-style: chr11-45806114-C-G. GRCh37 (hg19) VCF-style: chr11-45827665-C-G.
Other names: c.274C>G, p.Pro92Ala (NM_001145265.2, NM_001145266.2, NM_001425156.1); c.313C>G, p.Pro105Ala (NM_001425155.1); short protein forms P92A, P105A.
Identifiers: ClinVar variation 3651366 (VCV003651366.2).

ClinVar aggregate classification (germline): Uncertain significance (1 of 4 stars; one submission).

Conditions:
Leukocyte adhesion deficiency type II. Also called: CONGENITAL DISORDER OF GLYCOSYLATION, TYPE IIc; CDG IIc; Congenital disorder of glycosylation type 2C; CDG 2C; Leukocyte adhesion deficiency type 2; Rambam Hasharon syndrome. Identifiers: Orphanet 2968, Orphanet 99843, MedGen C0398739, MONDO:0009953, OMIM 266265.

Submission:

Labcorp Genetics (formerly Invitae), Labcorp
Classification: Uncertain significance for Leukocyte adhesion deficiency type II. Last evaluated: 2024-11-22. Review status: criteria provided, single submitter. Criteria: Invitae Variant Classification Sherloc (09022015). Collection method: clinical testing. Allele origin: germline.
Comment: This sequence change replaces proline, which is neutral and non-polar, with alanine, which is neutral and non-polar, at codon 105 of the SLC35C1 protein (p.Pro105Ala). This variant is not present in population databases (gnomAD no frequency). This variant has not been reported in the literature in individuals affected with SLC35C1-related conditions. Invitae Evidence Modeling of protein sequence and biophysical properties (such as structural, functional, and spatial information, amino acid conservation, physicochemical variation, residue mobility, and thermodynamic stability) indicates that this missense variant is not expected to disrupt SLC35C1 protein function with a negative predictive value of 80%. In summary, the available evidence is currently insufficient to determine the role of this variant in disease. Therefore, it has been classified as a Variant of Uncertain Significance.